The following is an entry in ClinVar:

ClinVar aggregate classification (germline): Conflicting classifications of pathogenicity. Review status: criteria provided, conflicting classifications (1 of 4 stars). 6 submissions from 6 submitters: Uncertain significance (2); Benign (2); Likely benign (2). Last evaluated 2025-09-05.

Conditions:
Maturity-onset diabetes of the young (MODY). Also called: Maturity onset diabetes mellitus in young. Identifiers: Orphanet 552, MedGen C0342276, MONDO:0018911, HP:0004904.

Allele frequency attached by ClinVar (database versions not stated): gnomAD exomes 0.00003 and 0.00009; ExAC 0.00010; ESP Exome Variant Server 0.00015; 1000 Genomes Project 30x 0.00016; 1000 Genomes Project 0.00020; gnomAD 0.00021 and 0.00023; TOPMed 0.00025.
gnomAD v4.1: 87 of 1,614,120 alleles (0.0054%); highest among the groups gnomAD compares: African/African-American, 0.081%; no homozygotes.

Submissions (6):

Labcorp Genetics (formerly Invitae), Labcorp
Classification: Benign. Last evaluated: 2025-09-05. Review status: criteria provided, single submitter. Criteria: Invitae Variant Classification Sherloc (09022015). Collection method: clinical testing. Allele origin: germline.

Ambry Genetics
Classification: Likely benign for Maturity-onset diabetes of the young. Last evaluated: 2025-05-24. Review status: criteria provided, single submitter. Criteria: Ambry Variant Classification Scheme 2023. Collection method: clinical testing. Allele origin: germline.

Women's Health and Genetics/Laboratory Corporation of America, LabCorp
Classification: Benign. Last evaluated: 2024-12-06. Review status: criteria provided, single submitter. Criteria: LabCorp Variant Classification Summary - May 2015. Collection method: clinical testing. Allele origin: germline.

Eurofins Ntd Llc (ga)
Classification: Uncertain significance. Last evaluated: 2017-05-31. Review status: criteria provided, single submitter. Criteria: EGL Classification Definitions 2015. Collection method: clinical testing. Allele origin: germline. Observed: 2 variant alleles, 2 heterozygotes.

Clinical Genomics, Uppaluri K&H Personalized Medicine Clinic
Classification: Uncertain significance for Maturity-onset diabetes of the young. Review status: criteria provided, single submitter. Criteria: K & H Uppaluri Personalized Medicine Clinic Variant Classification & Assertion Criteria_Updated V.1. Collection method: research. Allele origin: unknown. Inheritance: Autosomal dominant inheritance.
Comment: HNF1B gene mutations are associated with early onset diabetes and pancreatic atrophy. It is also associated with multiple renal manifestations including renal cysts, Tubulointerstitial disease, glomerulocystic disease, renal hypoplasia, hypomagnesemia. However no sufficient evidence is found to ascertain the role of this particular variant rs144249535, yet.

PreventionGenetics, part of Exact Sciences
Classification: Likely benign. Review status: criteria provided, single submitter. Criteria: ACMG Guidelines, 2015. Collection method: clinical testing. Allele origin: germline.

Literature cited by the submitters: PubMed 24897035 (cited by Clinical Genomics, Uppaluri K&H Personalized Medicine Clinic); PubMed 25536396 (cited by Clinical Genomics, Uppaluri K&H Personalized Medicine Clinic); PubMed 27615128 (cited by Clinical Genomics, Uppaluri K&H Personalized Medicine Clinic); PubMed 28215227 (cited by Clinical Genomics, Uppaluri K&H Personalized Medicine Clinic); PubMed 33434175 (cited by Clinical Genomics, Uppaluri K&H Personalized Medicine Clinic); PubMed 25741167 (cited by Clinical Genomics, Uppaluri K&H Personalized Medicine Clinic); PubMed 26340261 (cited by Clinical Genomics, Uppaluri K&H Personalized Medicine Clinic); PubMed 19639018 (cited by Clinical Genomics, Uppaluri K&H Personalized Medicine Clinic).

NM_000458.4(HNF1B):c.750C>T (p.Tyr250=)

Genes: HNF1B (HNF1 homeobox B; minus strand), LOC126862549 (BRD4-independent group 4 enhancer GRCh37_chr17:36093401-36094600; plus strand). Cytogenetic location: 17q12.
Variant type: single nucleotide variant.
Coding change: c.750C>T on transcript NM_000458.4 (MANE Select); coding-DNA position 750, C replaced by T.
Protein change: p.Tyr250=; no amino-acid change (tyrosine 250 retained).
Molecular consequence: synonymous variant.
Genome position (GRCh38, 1-based): chr17:37,733,616, G>A on the plus strand (C>T on the coding strand, the complement: HNF1B is on the minus strand). VCF-style: chr17-37733616-G-A. GRCh37 (hg19) VCF-style: chr17-36093609-G-A.
Other names: c.672C>T, p.Tyr224= (NM_001165923.4, NM_001304286.2).
Identifiers: ClinVar variation 36853 (VCV000036853.19), dbSNP rs144249535, ClinGen allele CA214367.